The following is an entry in ClinVar:

NM_000088.4(COL1A1):c.1614G>C (p.Lys538Asn)

Gene: COL1A1 (collagen type I alpha 1 chain; minus strand). Cytogenetic location: 17q21.33.
Variant type: single nucleotide variant.
Coding change: c.1614G>C on transcript NM_000088.4 (MANE Select); coding-DNA position 1614, G replaced by C.
Protein change: p.Lys538Asn; replaces lysine 538 with asparagine.
Molecular consequence: missense variant.
Genome position (GRCh38, 1-based): chr17:50,194,349, C>G on the plus strand (G>C on the coding strand, the complement: COL1A1 is on the minus strand). VCF-style: chr17-50194349-C-G. GRCh37 (hg19) VCF-style: chr17-48271710-C-G.
Other names: c.1614G>C (NM_000088.3); short protein forms K538N.
Identifiers: ClinVar variation 1428484 (VCV001428484.9), dbSNP rs770596593, ClinGen allele CA8645188.

ClinVar aggregate classification (germline): Uncertain significance. Review status: criteria provided, multiple submitters, no conflicts (2 of 4 stars). 3 submissions from 3 submitters: Uncertain significance (3). Last evaluated 2025-12-24.

Conditions:
Osteogenesis imperfecta type I (OI1). Also called: Lobstein disease; Classic Non-deforming Osteogenesis Imperfecta with Blue Sclerae; Lobstein's Disease; Osteogenesis imperfecta type 1; OI, TYPE I; OSTEOGENESIS IMPERFECTA TARDA. Identifiers: Orphanet 216796, Orphanet 666, MedGen C0023931, MONDO:0008146, OMIM 166200. Disease mechanism: loss of function.

Allele frequency attached by ClinVar (database versions not stated): gnomAD exomes below 0.00001; ExAC 0.00001.
gnomAD v4.1: 1 of 1,614,094 alleles (0.000062%); highest among the groups gnomAD compares: Non-Finnish European, 0.000085%; no homozygotes.

Submissions (3):

Labcorp Genetics (formerly Invitae), Labcorp
Classification: Uncertain significance for Osteogenesis imperfecta type I. Last evaluated: 2025-12-24. Review status: criteria provided, single submitter. Criteria: Invitae Variant Classification Sherloc (09022015). Collection method: clinical testing. Allele origin: germline.
Comment: This sequence change replaces lysine, which is basic and polar, with asparagine, which is neutral and polar, at codon 538 of the COL1A1 protein (p.Lys538Asn). This variant also falls at the last nucleotide of exon 23, which is part of the consensus splice site for this exon. This variant is present in population databases (rs770596593, gnomAD 0.0009%). This missense change has been observed in individual(s) with COL1A1-related conditions (PMID: 31506931; internal data). ClinVar contains an entry for this variant (Variation ID: 1428484). Experimental studies and prediction algorithms are not available or were not evaluated, and the functional significance of this variant is currently unknown. Variants that disrupt the consensus splice site are a relatively common cause of aberrant splicing (PMID: 17576681, 9536098). In summary, the available evidence is currently insufficient to determine the role of this variant in disease. Therefore, it has been classified as a Variant of Uncertain Significance.

GeneDx
Classification: Uncertain significance. Last evaluated: 2025-08-25. Review status: criteria provided, single submitter. Criteria: GeneDx Variant Classification Process June 2021. Collection method: clinical testing. Allele origin: germline.
Comment: Has not been previously published as pathogenic or benign to our knowledge; Not observed at significant frequency in large population cohorts (gnomAD); Occurs in the triple helical domain at the Y position in the canonical Gly-X-Y repeat; although this variant may have an effect on normal protein folding and function, missense substitution at the Y position is not a common mechanism of disease (HGMD); In silico analysis suggests that this missense variant does not alter protein structure/function

Athena Diagnostics
Classification: Uncertain significance. Last evaluated: 2024-09-10. Review status: criteria provided, single submitter. Criteria: Athena Diagnostics Criteria. Collection method: clinical testing. Allele origin: unknown.
Comment: Available data are insufficient to determine the clinical significance of the variant at this time. The frequency of this variant in the general population is uninformative in assessment of its pathogenicity. Polyphen and MutationTaster predict this amino acid change may be damaging to the protein.

Literature cited by the submitters: PubMed 31506931 (cited by Labcorp Genetics (formerly Invitae), Labcorp and Athena Diagnostics); PubMed 17576681 (cited by Labcorp Genetics (formerly Invitae), Labcorp); PubMed 9536098 (cited by Labcorp Genetics (formerly Invitae), Labcorp).